The following is an entry in ClinVar:

NM_000531.6(OTC):c.386G>A (p.Arg129His)

Gene: OTC (ornithine transcarbamylase; plus strand). Cytogenetic location: Xp11.4.
Variant type: single nucleotide variant.
Coding change: c.386G>A on transcript NM_000531.6 (MANE Select); coding-DNA position 386, G replaced by A.
Protein change: p.Arg129His; replaces arginine 129 with histidine.
Molecular consequence: missense variant.
Genome position (GRCh38, 1-based): chrX:38,381,429, G>A. VCF-style: chrX-38381429-G-A. GRCh37 (hg19) VCF-style: chrX-38240682-G-A.
Other names: short protein forms R129H.
Identifiers: ClinVar variation 11010 (VCV000011010.27), dbSNP rs66656800, ClinGen allele CA224568.

ClinVar aggregate classification (germline): Pathogenic. Review status: criteria provided, multiple submitters, no conflicts (2 of 4 stars). 9 submissions from 9 submitters: Pathogenic (7). 2 of the submissions do not count toward it. Last evaluated 2025-10-03.

Conditions:
Ornithine carbamoyltransferase deficiency (OTCD). Also called: ORNITHINE TRANSCARBAMYLASE DEFICIENCY, HYPERAMMONEMIA DUE TO; ORNITHINE TRANSCARBAMYLASE DEFICIENCY; OTC DEFICIENCY; Ornithine Carbamoyltransferase Deficiency Disease. Identifiers: Orphanet 664, MedGen C0268542, MONDO:0010703, OMIM 311250.

Submissions (10):

Victorian Clinical Genetics Services, Murdoch Childrens Research Institute
Classification: Pathogenic for Ornithine carbamoyltransferase deficiency. Last evaluated: 2025-10-03. Review status: criteria provided, single submitter. Criteria: ACMG Guidelines, 2015. Collection method: clinical testing. Allele origin: germline. Affected: no.
Comment: This variant is classified as Pathogenic. Evidence in support of pathogenic classification: Splice site variant proven to affect splicing of the transcript with uncertain effect on protein sequence. Minigene RNA studies of this non-canonical exonic splice variant demonstrate multiple aberrant splice outcomes, with only residual levels of the WT transcript remaining (PMID: 34906067); Variant is absent from gnomAD (v2, v3 and v4); This variant has strong previous evidence of pathogenicity in unrelated individuals. This variant has been classified as pathogenic by multiple clinical laboratories (ClinVar). This variant has been reported in multiple individuals affected with ornithine transcarbamylase deficiency (OTCD; PMIDs: 28266016, 27070778); Abnormal splicing is predicted by in silico tool and affected nucleotide is highly conserved. Additional information: This variant is heterozygous; This gene is associated with X-linked disease; Alternative amino acid change(s) at the same position are present in gnomAD (Highest allele count: v4: 73 heterozygote(s), 0 homozygote(s), 21 hemizygote(s)); Loss of function is a known mechanism of disease in this gene and is associated with ornithine transcarbamylase deficiency (MIM#311250); Variants in this gene are known to have variable expressivity. In males, the phenotypic spectrum can range from lethal neonatal onset to milder forms in late childhood or adulthood. In heterozygous females the phenotypic spectrum can range from asymptomatic to having recurrent hyperammonemia and/or neurologic impairment depending on the pattern of X-chromosome inactivation in the liver (OMIM, PMID: 24006547). In addition, individuals with pathogenic variants associated with mild late-onset disease may experience severe hyperammonemia depending on exposure to strong environmental stressors (PMID: 24006547).

Labcorp Genetics (formerly Invitae), Labcorp
Classification: Pathogenic for Ornithine carbamoyltransferase deficiency. Last evaluated: 2025-09-23. Review status: criteria provided, single submitter. Criteria: Invitae Variant Classification Sherloc (09022015). Collection method: clinical testing. Allele origin: germline.
Comment: This sequence change replaces arginine, which is basic and polar, with histidine, which is basic and polar, at codon 129 of the OTC protein (p.Arg129His). This variant also falls at the last nucleotide of exon 4, which is part of the consensus splice site for this exon. This variant is not present in population databases (gnomAD no frequency). This missense change has been observed in individual(s) with ornithine transcarbamylase (OTC) deficiency (PMID: 7860064, 8081398, 8807340, 25853564, 29581464, 30285816; internal data). In at least one individual the variant was observed to be de novo. ClinVar contains an entry for this variant (Variation ID: 11010). An algorithm developed to predict the effect of missense changes on protein structure and function (PolyPhen-2) suggests that this variant is likely to be disruptive. Variants that disrupt the consensus splice site are a relatively common cause of aberrant splicing (PMID: 17576681, 9536098). Algorithms developed to predict the effect of sequence changes on RNA splicing suggest that this variant may disrupt the consensus splice site. For these reasons, this variant has been classified as Pathogenic.

CeGaT Center for Human Genetics Tuebingen
Classification: Pathogenic. Last evaluated: 2025-05-01. Review status: criteria provided, single submitter. Criteria: CeGaT Center For Human Genetics Tuebingen Variant Classification Criteria Version 2. Collection method: clinical testing. Allele origin: germline. Affected: yes. Observed: 2 variant alleles.
Comment: OTC: PS4, PM2, PM6, PS3:Moderate, PP3

Institute of Medical Genetics and Genomics, Sir Ganga Ram Hospital
Classification: Pathogenic for Ornithine carbamoyltransferase deficiency. Last evaluated: 2023-10-19. Review status: criteria provided, single submitter. Criteria: ACMG Guidelines, 2015. Collection method: clinical testing. Allele origin: germline. Inheritance: X-linked inheritance. Affected: yes. Observed: 1 hemizygote.
Comment: This nucleotide change is absent from the gnomAD database [PM2]. Insilico prediction predicts a deleterious nature of this variant, REVEL score: 0.91 [PP3]. A clinvar entry [Variation id: 11010] of this variant is already present with a "Pathogenic" interpretation [PP5]. Based on the clinical correlation and available evidence, this variant is classified as "Pathogenic".

Revvity Omics, Revvity
Classification: Pathogenic for Ornithine carbamoyltransferase deficiency. Last evaluated: 2023-03-30. Review status: criteria provided, single submitter. Criteria: ACMG Guidelines, 2015. Collection method: clinical testing. Allele origin: germline.

Genome-Nilou Lab
Classification: Pathogenic for Ornithine carbamoyltransferase deficiency. Last evaluated: 2021-11-07. Review status: criteria provided, single submitter. Criteria: ACMG Guidelines, 2015. Collection method: clinical testing. Allele origin: germline. Affected: no.

Rady Children's Institute for Genomic Medicine, Rady Children's Hospital San Diego
Classification: Pathogenic for ORNITHINE TRANSCARBAMYLASE DEFICIENCY, HYPERAMMONEMIA DUE TO. Last evaluated: 2019-07-04. Review status: criteria provided, single submitter. Criteria: ACMG Guidelines, 2015. Collection method: clinical testing. Allele origin: germline. Affected: yes.
Comment: This variant has been previously reported as a hemizygous change in patients with ornithine transcarbamylase deficiency (PMID: 7860064, 8081398, 29581464, 30285816). Functional studies revealed that patients carrying this variant in the hemizygous state had reductions of OTC activity to less that 5% of normal levels (PMID: 7860064, 8081398). It is absent from the ExAC and gnomAD population databases and thus is presumed to be rare. The c.386G>A (p.Arg129His) variant affects a highly conserved amino acid and is predicted by multiple in silico tools to have a deleterious effect on protein function. Based on the available evidence, the c.386G>A (p.Arg129His) variant is classified as Pathogenic.

OMIM
Classification: Pathogenic for ORNITHINE TRANSCARBAMYLASE DEFICIENCY. Last evaluated: 1995-02-01. Review status: no assertion criteria provided. Collection method: literature only. Allele origin: germline. Not counted in ClinVar's aggregate classification.

Dr. Peter K. Rogan Lab, Western University
No classification provided (evidence only). Condition: Squamous cell carcinoma of the head and neck. Review status: no classification provided. Collection method: in vitro. Allele origin: not applicable. Functional consequence: retained intron. Not counted in ClinVar's aggregate classification.

GenMed Metabolism Lab
Classification: Pathogenic. Review status: no assertion criteria provided. Collection method: not provided. Allele origin: unknown. Not counted in ClinVar's aggregate classification.
Comment: p.Arg129His, Late, CpG dinucleotide, donor splice site error, identical to mutation in spfASH mouse
ClinVar note: Converted during submission from pathogenic to Pathogenic.

Literature cited by the submitters: PubMed 28266016 (cited by Victorian Clinical Genetics Services, Murdoch Childrens Research Institute); PubMed 34906067 (cited by Victorian Clinical Genetics Services, Murdoch Childrens Research Institute and Institute of Medical Genetics and Genomics, Sir Ganga Ram Hospital); PubMed 24006547 (cited by Victorian Clinical Genetics Services, Murdoch Childrens Research Institute); PubMed 27070778 (cited by Victorian Clinical Genetics Services, Murdoch Childrens Research Institute); PubMed 7860064 (cited by Labcorp Genetics (formerly Invitae), Labcorp and OMIM); PubMed 8081398 (cited by Labcorp Genetics (formerly Invitae), Labcorp); PubMed 8807340 (cited by Labcorp Genetics (formerly Invitae), Labcorp); PubMed 25853564 (cited by Labcorp Genetics (formerly Invitae), Labcorp); PubMed 29581464 (cited by Labcorp Genetics (formerly Invitae), Labcorp); PubMed 30285816 (cited by Labcorp Genetics (formerly Invitae), Labcorp); PubMed 17576681 (cited by Labcorp Genetics (formerly Invitae), Labcorp); PubMed 9536098 (cited by Labcorp Genetics (formerly Invitae), Labcorp).